The following is an entry in ClinVar:

ClinVar aggregate classification (germline): Pathogenic (1 of 4 stars; one submission).

Conditions:
SPTB-related disorder. Also called: SPTB-related condition; SPTB-Related Disorders.

Submission:

PreventionGenetics, part of Exact Sciences
Classification: Pathogenic for SPTB-related condition. Last evaluated: 2023-05-09. Review status: criteria provided, single submitter. Criteria: ACMG Guidelines, 2015. Collection method: clinical testing. Allele origin: germline.
Comment: The SPTB c.1825C>T variant is predicted to result in premature protein termination (p.Gln609*). This variant was reported to have occurred de novo in an individual with hereditary spherocytosis (Wu et al. 2021. PubMed ID: 33868383). This variant has not been reported in a large population database, indicating this variant is rare. Nonsense variants in SPTB are expected to be pathogenic. This variant is interpreted as pathogenic.

NM_001355436.2(SPTB):c.1825C>T (p.Gln609Ter)

Gene: SPTB (spectrin beta, erythrocytic; minus strand). Cytogenetic location: 14q23.3.
Variant type: single nucleotide variant.
Coding change: c.1825C>T on transcript NM_001355436.2 (MANE Select); coding-DNA position 1825, C replaced by T.
Protein change: p.Gln609Ter; replaces glutamine 609 with a stop codon.
Molecular consequence: nonsense.
Genome position (GRCh38, 1-based): chr14:64,793,838, G>A on the plus strand (C>T on the coding strand, the complement: SPTB is on the minus strand). VCF-style: chr14-64793838-G-A. GRCh37 (hg19) VCF-style: chr14-65260556-G-A.
Other names: c.1825C>T, p.Gln609Ter (NM_001024858.4, NM_001355437.2); short protein forms Q609*.
Identifiers: ClinVar variation 2632853 (VCV002632853.1), dbSNP rs2503163168, ClinGen allele CA390020966.